The following is an entry in ClinVar:

ClinVar aggregate classification (germline): Uncertain significance (1 of 4 stars; one submission).

Conditions:
Temtamy preaxial brachydactyly syndrome (TPBS). Identifiers: Orphanet 363417, MedGen C1854466, MONDO:0011533, OMIM 605282.

Allele frequency attached by ClinVar (database versions not stated): gnomAD 0.00002 and 0.00003; ExAC 0.00004; gnomAD exomes 0.00004 and 0.00008; TOPMed 0.00005.
gnomAD v4.1: 58 of 1,614,076 alleles (0.0036%); highest among the groups gnomAD compares: Admixed American, 0.027%; no homozygotes.

Submission:

Labcorp Genetics (formerly Invitae), Labcorp
Classification: Uncertain significance for Temtamy preaxial brachydactyly syndrome. Last evaluated: 2025-11-25. Review status: criteria provided, single submitter. Criteria: Invitae Variant Classification Sherloc (09022015). Collection method: clinical testing. Allele origin: germline.
Comment: This sequence change replaces arginine, which is basic and polar, with cysteine, which is neutral and slightly polar, at codon 330 of the CHSY1 protein (p.Arg330Cys). This variant is present in population databases (rs768914522, gnomAD 0.04%). This variant has not been reported in the literature in individuals affected with CHSY1-related conditions. ClinVar contains an entry for this variant (Variation ID: 1025508). Invitae Evidence Modeling of protein sequence and biophysical properties (such as structural, functional, and spatial information, amino acid conservation, physicochemical variation, residue mobility, and thermodynamic stability) indicates that this missense variant is expected to disrupt CHSY1 protein function with a positive predictive value of 80%. In summary, the available evidence is currently insufficient to determine the role of this variant in disease. Therefore, it has been classified as a Variant of Uncertain Significance.

NM_014918.5(CHSY1):c.988C>T (p.Arg330Cys)

Gene: CHSY1 (chondroitin sulfate synthase 1; minus strand). Cytogenetic location: 15q26.3.
Variant type: single nucleotide variant.
Coding change: c.988C>T on transcript NM_014918.5 (MANE Select); coding-DNA position 988, C replaced by T.
Protein change: p.Arg330Cys; replaces arginine 330 with cysteine.
Molecular consequence: missense variant.
Genome position (GRCh38, 1-based): chr15:101,178,809, G>A on the plus strand (C>T on the coding strand, the complement: CHSY1 is on the minus strand). VCF-style: chr15-101178809-G-A. GRCh37 (hg19) VCF-style: chr15-101719014-G-A.
Other names: short protein forms R330C.
Identifiers: ClinVar variation 1025508 (VCV001025508.7), dbSNP rs768914522, ClinGen allele CA7762616.